The following is an entry in ClinVar:

NM_005751.5(AKAP9):c.9182T>C (p.Leu3061Pro)

Gene: AKAP9 (A-kinase anchoring protein 9; plus strand). Cytogenetic location: 7q21.2.
Variant type: single nucleotide variant.
Coding change: c.9182T>C on transcript NM_005751.5 (MANE Select); coding-DNA position 9182, T replaced by C.
Protein change: p.Leu3061Pro; replaces leucine 3061 with proline.
Molecular consequence: missense variant.
Genome position (GRCh38, 1-based): chr7:92,086,385, T>C. VCF-style: chr7-92086385-T-C. GRCh37 (hg19) VCF-style: chr7-91715699-T-C.
Other names: c.3827T>C, p.Leu1276Pro (NM_001379277.1); c.9158T>C, p.Leu3053Pro (NM_147185.3); c.9182T>C (NM_005751.4); short protein forms L1276P, L3053P, L3061P.
Identifiers: ClinVar variation 1058127 (VCV001058127.11), dbSNP rs761435123, ClinGen allele CA4337677.
Genomic context (GRCh38, chr7:92,086,385, plus strand): 5'-TACTAGCAGCATTTCGGACGGAGCTGACAGCTCTAGGTACTACAGATGCAGTTGGTTTAC[T>C]AAACTGTTTGGAACAGAGAATACAAGAACAGGTATAATGAAACTTCATTTTAAAAACACT-3'
Protein context (NP_005742.4, residues 3051-3071): ALGTTDAVGL[Leu3061Pro]NCLEQRIQEQ

ClinVar aggregate classification (germline): Uncertain significance. Review status: criteria provided, multiple submitters, no conflicts (2 of 4 stars). 3 submissions from 3 submitters: Uncertain significance (3). Last evaluated 2024-01-14.

Conditions:
Cardiovascular phenotype. Identifiers: MedGen CN230736.
Long QT syndrome 11 (LQT11). Identifiers: Orphanet 101016, Orphanet 768, MedGen C2678483, MONDO:0012738, OMIM 611820.
Long QT syndrome (LQTS). Identifiers: MedGen C0023976, MeSH D008133, MONDO:0002442. Disease mechanism: loss of function. Inheritance: Various modes of inheritance.

Allele frequency attached by ClinVar (database versions not stated): ExAC 0.00001; gnomAD exomes 0.00001 and 0.00002.
gnomAD v4.1: 24 of 1,613,928 alleles (0.0015%); highest among the groups gnomAD compares: Non-Finnish European, 0.0015%; no homozygotes.

Submissions (3):

Ambry Genetics
Classification: Uncertain significance for Cardiovascular phenotype. Last evaluated: 2024-01-14. Review status: criteria provided, single submitter. Criteria: Ambry Variant Classification Scheme 2023. Collection method: clinical testing. Allele origin: germline.
Comment: The p.L3061P variant (also known as c.9182T>C), located in coding exon 37 of the AKAP9 gene, results from a T to C substitution at nucleotide position 9182. The leucine at codon 3061 is replaced by proline, an amino acid with similar properties. This amino acid position is conserved. In addition, this alteration is predicted to be tolerated by in silico analysis. Since supporting evidence is limited at this time, the clinical significance of this alteration remains unclear.

Fulgent Genetics
Classification: Uncertain significance for Long QT syndrome 11. Last evaluated: 2021-08-18. Review status: criteria provided, single submitter. Criteria: ACMG Guidelines, 2015. Collection method: clinical testing. Allele origin: unknown.

Labcorp Genetics (formerly Invitae), Labcorp
Classification: Uncertain significance for Long QT syndrome. Last evaluated: 2020-02-02. Review status: criteria provided, single submitter. Criteria: Invitae Variant Classification Sherloc (09022015). Collection method: clinical testing. Allele origin: germline.
Comment: In summary, the available evidence is currently insufficient to determine the role of this variant in disease. Therefore, it has been classified as a Variant of Uncertain Significance. Algorithms developed to predict the effect of missense changes on protein structure and function are either unavailable or do not agree on the potential impact of this missense change (SIFT: "Deleterious"; PolyPhen-2: "Probably Damaging"; Align-GVGD: "Class C0"). This variant has not been reported in the literature in individuals with AKAP9-related conditions. This variant is present in population databases (rs761435123, ExAC 0.001%). This sequence change replaces leucine with proline at codon 3061 of the AKAP9 protein (p.Leu3061Pro). The leucine residue is moderately conserved and there is a moderate physicochemical difference between leucine and proline.